The following is an entry in ClinVar:

NM_002547.3(OPHN1):c.1506T>A (p.Leu502=)

Gene: OPHN1 (oligophrenin 1; minus strand). Cytogenetic location: Xq12.
Variant type: single nucleotide variant.
Coding change: c.1506T>A on transcript NM_002547.3 (MANE Select); coding-DNA position 1506, T replaced by A.
Protein change: p.Leu502=; no amino-acid change (leucine 502 retained).
Molecular consequence: synonymous variant.
Genome position (GRCh38, 1-based): chrX:68,111,874, A>T on the plus strand (T>A on the coding strand, the complement: OPHN1 is on the minus strand). VCF-style: chrX-68111874-A-T. GRCh37 (hg19) VCF-style: chrX-67331716-A-T.
Identifiers: ClinVar variation 1280437 (VCV001280437.43), dbSNP rs142413712, ClinGen allele CA10436891.

ClinVar aggregate classification (germline): Benign/Likely benign. Review status: criteria provided, multiple submitters, no conflicts (2 of 4 stars). 5 submissions from 5 submitters: Benign (2); Likely benign (2). 1 of the submissions does not count toward it. Last evaluated 2025-11-28.

Conditions:
OPHN1-related disorder.
Inborn genetic diseases. Identifiers: MedGen C0950123, MeSH D030342.

Allele frequency attached by ClinVar (database versions not stated): gnomAD exomes 0.00004 and 0.00011; 1000 Genomes Project 30x 0.00042; gnomAD 0.00044 and 0.00041; TOPMed 0.00049; ExAC 0.00013; 1000 Genomes Project 0.00026; ESP Exome Variant Server 0.00028.
gnomAD v4.1: 87 of 1,199,740 alleles (0.0073%); highest among the groups gnomAD compares: African/African-American, 0.15%; no homozygotes.

Submissions (5):

Labcorp Genetics (formerly Invitae), Labcorp
Classification: Benign. Last evaluated: 2025-11-28. Review status: criteria provided, single submitter. Criteria: Invitae Variant Classification Sherloc (09022015). Collection method: clinical testing. Allele origin: germline.

CeGaT Center for Human Genetics Tuebingen
Classification: Likely benign. Last evaluated: 2021-08-01. Review status: criteria provided, single submitter. Criteria: CeGaT Center For Human Genetics Tuebingen Variant Classification Criteria Version 2. Collection method: clinical testing. Allele origin: germline. Affected: yes. Observed: 1 variant allele.

GeneDx
Classification: Benign. Last evaluated: 2020-12-11. Review status: criteria provided, single submitter. Criteria: GeneDx Variant Classification Process June 2021. Collection method: clinical testing. Allele origin: germline. Affected: yes.

Ambry Genetics
Classification: Likely benign for Inborn genetic diseases. Last evaluated: 2017-09-12. Review status: criteria provided, single submitter. Criteria: Ambry Variant Classification Scheme 2023. Collection method: clinical testing. Allele origin: germline.

PreventionGenetics, part of Exact Sciences
Classification: Likely benign for OPHN1-related condition. Last evaluated: 2022-08-02. Review status: no assertion criteria provided. Collection method: clinical testing. Allele origin: germline. Not counted in ClinVar's aggregate classification.
Comment: This variant is classified as likely benign based on ACMG/AMP sequence variant interpretation guidelines (Richards et al. 2015 PMID: 25741868, with internal and published modifications).